The following is an entry in ClinVar:

NM_172364.5(CACNA2D4):c.2239A>G (p.Met747Val)

Gene: CACNA2D4 (calcium voltage-gated channel auxiliary subunit alpha2delta 4; minus strand). Cytogenetic location: 12p13.33.
Variant type: single nucleotide variant.
Coding change: c.2239A>G on transcript NM_172364.5 (MANE Select); coding-DNA position 2239, A replaced by G.
Protein change: p.Met747Val; replaces methionine 747 with valine.
Molecular consequence: missense variant.
Genome position (GRCh38, 1-based): chr12:1,853,958, T>C on the plus strand (A>G on the coding strand, the complement: CACNA2D4 is on the minus strand). VCF-style: chr12-1853958-T-C. GRCh37 (hg19) VCF-style: chr12-1963124-T-C.
Other names: short protein forms M747V.
Identifiers: ClinVar variation 195786 (VCV000195786.20), dbSNP rs34007338, ClinGen allele CA201940.

ClinVar aggregate classification (germline): Likely benign. Review status: criteria provided, multiple submitters, no conflicts (2 of 4 stars). 4 submissions from 4 submitters: Likely benign (4). Last evaluated 2026-01-25.

Conditions:
Retinal cone dystrophy 4 (RCD4). Identifiers: Orphanet 1872, MedGen C1864849, MONDO:0012507, OMIM 610478.

Allele frequency attached by ClinVar (database versions not stated): 1000 Genomes Project 0.00200; 1000 Genomes Project 30x 0.00203; ESP Exome Variant Server 0.00234; gnomAD 0.00237 and 0.00255; TOPMed 0.00265.
gnomAD v4.1: 706 of 1,612,680 alleles (0.044%); highest among the groups gnomAD compares: African/African-American, 0.81%; 4 homozygotes.

Submissions (4):

Labcorp Genetics (formerly Invitae), Labcorp
Classification: Likely benign. Last evaluated: 2026-01-25. Review status: criteria provided, single submitter. Criteria: Invitae Variant Classification Sherloc (09022015). Collection method: clinical testing. Allele origin: germline.

Blueprint Genetics
Classification: Likely benign. Last evaluated: 2024-11-26. Review status: criteria provided, single submitter. Criteria: ACMG Guidelines, 2015. Collection method: clinical testing. Allele origin: germline.

Illumina Laboratory Services, Illumina
Classification: Likely benign for Retinal cone dystrophy 4. Last evaluated: 2018-01-13. Review status: criteria provided, single submitter. Criteria: ICSL Variant Classification Criteria 13 December 2019. Collection method: clinical testing. Allele origin: germline.
Comment: This variant was observed in the ICSL laboratory as part of a predisposition screen in an ostensibly healthy population. It had not been previously curated by ICSL or reported in the Human Gene Mutation Database (HGMD: prior to June 1st, 2018), and was therefore a candidate for classification through an automated scoring system. Utilizing variant allele frequency, disease prevalence and penetrance estimates, and inheritance mode, an automated score was calculated to assess if this variant is too frequent to cause the disease. Based on the score and internal cut-off values, a variant classified as likely benign is not then subjected to further curation. The score for this variant resulted in a classification of likely benign for this disease.

Eurofins Ntd Llc (ga)
Classification: Likely benign. Last evaluated: 2015-03-17. Review status: criteria provided, single submitter. Criteria: EGL Classification Definitions 2015. Collection method: clinical testing. Allele origin: germline. Observed: 1 variant allele, 1 heterozygote.